The following is an entry in ClinVar:

NM_016604.4(KDM3B):c.712_714delinsAAA (p.Glu238Lys)

Gene: KDM3B (lysine demethylase 3B; plus strand). Cytogenetic location: 5q31.2.
Variant type: Indel.
Coding change: c.712_714delinsAAA on transcript NM_016604.4 (MANE Select); coding-DNA positions 712 to 714, GAG replaced by AAA.
Protein change: p.Glu238Lys; replaces glutamic acid 238 with lysine.
Molecular consequence: missense variant.
Genome position (GRCh38, 1-based): chr5:138,381,522-138,381,524, GAG replaced by AAA. VCF-style: chr5-138381522-GAG-AAA. GRCh37 (hg19) VCF-style: chr5-137717211-GAG-AAA.
Other names: short protein forms E238K.
Identifiers: ClinVar variation 3339893 (VCV003339893.1).

ClinVar aggregate classification (germline): Uncertain significance (1 of 4 stars; one submission).

Submission:

Women's Health and Genetics/Laboratory Corporation of America, LabCorp
Classification: Uncertain significance. Last evaluated: 2024-06-21. Review status: criteria provided, single submitter. Criteria: LabCorp Variant Classification Summary - May 2015. Collection method: clinical testing. Allele origin: germline.
Comment: Variant summary: KDM3B c.712_714delinsAAA (p.Glu238Lys) results in a conservative amino acid change in the encoded protein sequence. Four of five in-silico tools predict a benign effect of the variant on protein function. The variant was absent in 251330 control chromosomes (gnomAD). The available data on variant occurrences in the general population are insufficient to allow any conclusion about variant significance. To our knowledge, no occurrence of c.712_714delinsAAA in individuals affected with KDM3B-Related Disorders and no experimental evidence demonstrating its impact on protein function have been reported. No submitters have cited clinical-significance assessments for this variant to ClinVar. Based on the evidence outlined above, the variant was classified as uncertain significance.